The following is an entry in ClinVar:

ClinVar aggregate classification (germline): Uncertain significance. Review status: criteria provided, multiple submitters, no conflicts (2 of 4 stars). 2 submissions from 2 submitters: Uncertain significance (2). Last evaluated 2026-01-19.

Allele frequency attached by ClinVar (database versions not stated): gnomAD 0.00001; gnomAD exomes 0.00003; TOPMed 0.00003; ExAC 0.00007; ESP Exome Variant Server 0.00008.
gnomAD v4.1: 53 of 1,614,014 alleles (0.0033%); highest among the groups gnomAD compares: East Asian, 0.0045%; no homozygotes.

Submissions (2):

Labcorp Genetics (formerly Invitae), Labcorp
Classification: Uncertain significance. Last evaluated: 2026-01-19. Review status: criteria provided, single submitter. Criteria: Invitae Variant Classification Sherloc (09022015). Collection method: clinical testing. Allele origin: germline.
Comment: This sequence change replaces glycine, which is neutral and non-polar, with arginine, which is basic and polar, at codon 149 of the PROSC protein (p.Gly149Arg). This variant is present in population databases (rs150307985, gnomAD 0.009%). This missense change has been observed in individual(s) with clinical features of pyridoxine-dependent epilepsy (PMID: 31780880). ClinVar contains an entry for this variant (Variation ID: 2178641). Invitae Evidence Modeling of protein sequence and biophysical properties (such as structural, functional, and spatial information, amino acid conservation, physicochemical variation, residue mobility, and thermodynamic stability) indicates that this missense variant is not expected to disrupt PROSC protein function with a negative predictive value of 80%. In summary, the available evidence is currently insufficient to determine the role of this variant in disease. Therefore, it has been classified as a Variant of Uncertain Significance.

Blueprint Genetics
Classification: Uncertain significance. Last evaluated: 2024-11-27. Review status: criteria provided, single submitter. Criteria: ACMG Guidelines, 2015. Collection method: clinical testing. Allele origin: germline.

Literature cited by the submitters: PubMed 31780880 (cited by Labcorp Genetics (formerly Invitae), Labcorp).

NM_007198.4(PLPBP):c.445G>A (p.Gly149Arg)

Gene: PLPBP (pyridoxal phosphate binding protein; plus strand). Cytogenetic location: 8p11.23.
Variant type: single nucleotide variant.
Coding change: c.445G>A on transcript NM_007198.4 (MANE Select); coding-DNA position 445, G replaced by A.
Protein change: p.Gly149Arg; replaces glycine 149 with arginine.
Molecular consequence: missense variant.
Genome position (GRCh38, 1-based): chr8:37,772,880, G>A. VCF-style: chr8-37772880-G-A. GRCh37 (hg19) VCF-style: chr8-37630398-G-A.
Other names: c.445G>A, p.Gly149Arg (NM_001349346.2); c.439G>A, p.Gly147Arg (NM_001349347.2); c.289G>A, p.Gly97Arg (NM_001349348.2); short protein forms G147R, G149R, G97R.
Identifiers: ClinVar variation 2178641 (VCV002178641.3), dbSNP rs150307985, ClinGen allele CA4711235.